The following is an entry in ClinVar:

NM_022124.6(CDH23):c.5026G>T (p.Ala1676Ser)

Gene: CDH23 (cadherin related 23; plus strand). Cytogenetic location: 10q22.1.
Variant type: single nucleotide variant.
Coding change: c.5026G>T on transcript NM_022124.6 (MANE Select); coding-DNA position 5026, G replaced by T.
Protein change: p.Ala1676Ser; replaces alanine 1676 with serine.
Molecular consequence: missense variant.
Genome position (GRCh38, 1-based): chr10:71,777,860, G>T. VCF-style: chr10-71777860-G-T. GRCh37 (hg19) VCF-style: chr10-73537617-G-T.
Other names: short protein forms A1676S.
Identifiers: ClinVar variation 849120 (VCV000849120.11), dbSNP rs56043301, ClinGen allele CA377140385.
Genomic context (GRCh38, chr10:71,777,860, plus strand): 5'-ACCATCCAGGCACTGGACCTGGATGAGGGTCCCAACGGCACAGTCACCTATGCCATCGTC[G>T]CAGGCAACATCGTCAACACCTTCCGCATCGACAGACACATGGTCAGCAGCTGATGGCAGG-3'
Protein context (NP_071407.4, residues 1666-1686): PNGTVTYAIV[Ala1676Ser]GNIVNTFRID

ClinVar aggregate classification (germline): Uncertain significance. Review status: criteria provided, single submitter (1 of 4 stars). 2 submissions from 2 submitters: Uncertain significance (1). 1 of the submissions does not count toward it. Last evaluated 2022-07-21.

Conditions:
Usher syndrome type 1 (USH1). Also called: RETINITIS PIGMENTOSA AND CONGENITAL DEAFNESS. Identifiers: Orphanet 231169, Orphanet 886, MedGen C1568247, MONDO:0010168, OMIM 276900.

gnomAD v4.1: 1 of 1,613,910 alleles (0.000062%); no homozygotes.

Submissions (2):

Labcorp Genetics (formerly Invitae), Labcorp
Classification: Uncertain significance. Last evaluated: 2022-07-21. Review status: criteria provided, single submitter. Criteria: Invitae Variant Classification Sherloc (09022015). Collection method: clinical testing. Allele origin: germline.
Comment: In summary, the available evidence is currently insufficient to determine the role of this variant in disease. Therefore, it has been classified as a Variant of Uncertain Significance. Algorithms developed to predict the effect of missense changes on protein structure and function output the following: SIFT: "Tolerated"; PolyPhen-2: "Not Available"; Align-GVGD: "Class C0". The serine amino acid residue is found in multiple mammalian species, which suggests that this missense change does not adversely affect protein function. ClinVar contains an entry for this variant (Variation ID: 849120). This variant has not been reported in the literature in individuals affected with CDH23-related conditions. This variant is not present in population databases (gnomAD no frequency). This sequence change replaces alanine, which is neutral and non-polar, with serine, which is neutral and polar, at codon 1676 of the CDH23 protein (p.Ala1676Ser).

Natera, Inc.
Classification: Uncertain significance for Usher syndrome type 1. Last evaluated: 2020-10-16. Review status: no assertion criteria provided. Collection method: clinical testing. Allele origin: germline. Not counted in ClinVar's aggregate classification.